The following is an entry in ClinVar:

ClinVar aggregate classification (germline): Uncertain significance (1 of 4 stars; one submission).

Conditions:
Dilated cardiomyopathy 1O (CMD1O). Also called: CARDIOMYOPATHY, DILATED, WITH VENTRICULAR TACHYCARDIA. Identifiers: Orphanet 154, MedGen C1837839, MONDO:0012062, OMIM 608569.

Submission:

Labcorp Genetics (formerly Invitae), Labcorp
Classification: Uncertain significance for Dilated cardiomyopathy 1O. Last evaluated: 2024-12-27. Review status: criteria provided, single submitter. Criteria: Invitae Variant Classification Sherloc (09022015). Collection method: clinical testing. Allele origin: germline.
Comment: This sequence change replaces leucine, which is neutral and non-polar, with proline, which is neutral and non-polar, at codon 398 of the ABCC9 protein (p.Leu398Pro). This variant is not present in population databases (gnomAD no frequency). This variant has not been reported in the literature in individuals affected with ABCC9-related conditions. Invitae Evidence Modeling of protein sequence and biophysical properties (such as structural, functional, and spatial information, amino acid conservation, physicochemical variation, residue mobility, and thermodynamic stability) indicates that this missense variant is expected to disrupt ABCC9 protein function with a positive predictive value of 95%. In summary, the available evidence is currently insufficient to determine the role of this variant in disease. Therefore, it has been classified as a Variant of Uncertain Significance.

NM_020297.4(ABCC9):c.1193T>C (p.Leu398Pro)

Gene: ABCC9 (ATP binding cassette subfamily C member 9; minus strand). Cytogenetic location: 12p12.1.
Variant type: single nucleotide variant.
Coding change: c.1193T>C on transcript NM_020297.4 (MANE Select); coding-DNA position 1193, T replaced by C.
Protein change: p.Leu398Pro; replaces leucine 398 with proline.
Molecular consequence: missense variant.
Genome position (GRCh38, 1-based): chr12:21,910,284, A>G on the plus strand (T>C on the coding strand, the complement: ABCC9 is on the minus strand). VCF-style: chr12-21910284-A-G. GRCh37 (hg19) VCF-style: chr12-22063218-A-G.
Other names: c.1193T>C, p.Leu398Pro (NM_001377273.1, NM_005691.4); c.329T>C, p.Leu110Pro (NM_001377274.1); short protein forms L110P, L398P.
Identifiers: ClinVar variation 3718627 (VCV003718627.2).